The following is an entry in ClinVar:

ClinVar aggregate classification (germline): Benign. Review status: criteria provided, multiple submitters, no conflicts (2 of 4 stars). 5 submissions from 5 submitters: Benign (5). Last evaluated 2024-12-02.

Conditions:
Neonatal-onset encephalopathy with rigidity and seizures. Also called: Lethal neonatal spasticity-epileptic encephalopathy syndrome. Identifiers: Orphanet 435845, MedGen C3281029, MONDO:0013784, OMIM 614498.

Allele frequency attached by ClinVar (database versions not stated): 1000 Genomes Project 0.06889; 1000 Genomes Project 30x 0.07105; TOPMed 0.11514; gnomAD 0.12177 and 0.12363; gnomAD exomes 0.13784 and 0.15732; ExAC 0.14084.

Submissions (5):

Labcorp Genetics (formerly Invitae), Labcorp
Classification: Benign for Neonatal-onset encephalopathy with rigidity and seizures. Last evaluated: 2024-12-02. Review status: criteria provided, single submitter. Criteria: Invitae Variant Classification Sherloc (09022015). Collection method: clinical testing. Allele origin: germline.

Blueprint Genetics
Classification: Benign. Last evaluated: 2024-11-27. Review status: criteria provided, single submitter. Criteria: ACMG Guidelines, 2015. Collection method: clinical testing. Allele origin: germline.

Unidad de Genómica Garrahan, Hospital de Pediatría Garrahan
Classification: Benign. Last evaluated: 2024-07-15. Review status: criteria provided, single submitter. Criteria: ACMG Guidelines, 2015. Collection method: clinical testing. Allele origin: germline. Affected: no. Observed: 33 variant alleles.
Comment: This variant is classified as Benign based on local population frequency. This variant was detected in 35% of patients studied in a panel designed for Epileptic and Developmental Encephalopathy and Progressive Myoclonus Epilepsy. Number of patients: 33. Only high quality variants are reported.

Mayo Clinic Laboratories, Mayo Clinic
Classification: Benign. Last evaluated: 2021-11-29. Review status: criteria provided, single submitter. Criteria: ACMG Guidelines, 2015. Collection method: clinical testing. Allele origin: germline. Observed: 63 variant alleles.

GeneDx
Classification: Benign. Last evaluated: 2018-07-27. Review status: criteria provided, single submitter. Criteria: GeneDx Variant Classification Process June 2021. Collection method: clinical testing. Allele origin: germline. Affected: yes.

NM_152743.4(BRAT1):c.1931G>A (p.Arg644Gln)

Gene: BRAT1 (BRCA1 associated ATM activator 1; minus strand). Cytogenetic location: 7p22.3.
Variant type: single nucleotide variant.
Coding change: c.1931G>A on transcript NM_152743.4 (MANE Select); coding-DNA position 1931, G replaced by A.
Protein change: p.Arg644Gln; replaces arginine 644 with glutamine.
Molecular consequence: missense variant. On other transcripts: non-coding transcript variant (1).
Genome position (GRCh38, 1-based): chr7:2,538,604, C>T on the plus strand (G>A on the coding strand, the complement: BRAT1 is on the minus strand). VCF-style: chr7-2538604-C-T. GRCh37 (hg19) VCF-style: chr7-2578238-C-T.
Other names: p.Arg644Gln; c.2111G>A, p.Arg704Gln (NM_001350626.2); c.1406G>A, p.Arg469Gln (NM_001350627.2); short protein forms R469Q, R644Q, R704Q.
Identifiers: ClinVar variation 1167604 (VCV001167604.16), dbSNP rs4719553, ClinGen allele CA4127511.